The following is an entry in ClinVar:

ClinVar aggregate classification (germline): Uncertain significance (1 of 4 stars; one submission).

Conditions:
Pierson syndrome. Also called: MICROCORIA-CONGENITAL NEPHROTIC SYNDROME. Identifiers: Orphanet 2670, MedGen C1836876, MONDO:0012184, OMIM 609049.
LAMB2-related infantile-onset nephrotic syndrome. Also called: Nephrotic Syndrome, type 5; NEPHROTIC SYNDROME, TYPE 5, WITHOUT OCULAR ABNORMALITIES; NEPHROTIC SYNDROME, TYPE 5, WITH OCULAR ABNORMALITIES. Identifiers: Orphanet 306507, MedGen C3280113, MONDO:0013621, OMIM 614199.

Allele frequency attached by ClinVar (database versions not stated): gnomAD 0.00001; gnomAD exomes 0.00001; TOPMed 0.00001.
gnomAD v4.1: 15 of 1,614,126 alleles (0.00093%); highest among the groups gnomAD compares: African/African-American, 0.0013%; no homozygotes.

Submissions (2):

Labcorp Genetics (formerly Invitae), Labcorp
Classification: Uncertain significance for LAMB2-related infantile-onset nephrotic syndrome; Pierson syndrome. Last evaluated: 2022-07-19. Review status: criteria provided, single submitter. Criteria: Invitae Variant Classification Sherloc (09022015). Collection method: clinical testing. Allele origin: germline.
Comment: In summary, the available evidence is currently insufficient to determine the role of this variant in disease. Therefore, it has been classified as a Variant of Uncertain Significance. Algorithms developed to predict the effect of sequence changes on RNA splicing suggest that this variant may create or strengthen a splice site. Algorithms developed to predict the effect of missense changes on protein structure and function are either unavailable or do not agree on the potential impact of this missense change (SIFT: "Deleterious"; PolyPhen-2: "Probably Damaging"; Align-GVGD: "Class C15"). ClinVar contains an entry for this variant (Variation ID: 1034460). This variant has not been reported in the literature in individuals affected with LAMB2-related conditions. This variant is present in population databases (no rsID available, gnomAD 0.0008%). This sequence change replaces arginine, which is basic and polar, with tryptophan, which is neutral and slightly polar, at codon 120 of the LAMB2 protein (p.Arg120Trp).

Dr. Peter K. Rogan Lab, Western University
No classification provided (evidence only). Condition: Hepatocellular carcinoma. Review status: no classification provided. Collection method: in vitro. Allele origin: not applicable. Functional consequence: retained intron. Not counted in ClinVar's aggregate classification.

NM_002292.4(LAMB2):c.358C>T (p.Arg120Trp)

Gene: LAMB2 (laminin subunit beta 2; minus strand). Cytogenetic location: 3p21.31.
Variant type: single nucleotide variant.
Coding change: c.358C>T on transcript NM_002292.4 (MANE Select); coding-DNA position 358, C replaced by T.
Protein change: p.Arg120Trp; replaces arginine 120 with tryptophan.
Molecular consequence: missense variant.
Genome position (GRCh38, 1-based): chr3:49,132,297, G>A on the plus strand (C>T on the coding strand, the complement: LAMB2 is on the minus strand). VCF-style: chr3-49132297-G-A. GRCh37 (hg19) VCF-style: chr3-49169730-G-A.
Other names: short protein forms R120W.
Identifiers: ClinVar variation 1034460 (VCV001034460.6), dbSNP rs1271143265, ClinGen allele CA352754691.